The following is an entry in ClinVar:

NM_001127222.2(CACNA1A):c.4033C>T (p.Arg1345Ter)

Gene: CACNA1A (calcium voltage-gated channel subunit alpha1 A; minus strand). Cytogenetic location: 19p13.13.
Variant type: single nucleotide variant.
Coding change: c.4033C>T on transcript NM_001127222.2 (MANE Select); coding-DNA position 4033, C replaced by T.
Protein change: p.Arg1345Ter; replaces arginine 1345 with a stop codon.
Molecular consequence: nonsense.
Genome position (GRCh38, 1-based): chr19:13,262,790, G>A on the plus strand (C>T on the coding strand, the complement: CACNA1A is on the minus strand). VCF-style: chr19-13262790-G-A. GRCh37 (hg19) VCF-style: chr19-13373604-G-A.
Other names: c.4045C>T, p.Arg1349Ter (NM_000068.4, NM_023035.3); c.4036C>T, p.Arg1346Ter (NM_001127221.2, NM_001174080.2); short protein forms R1346*, R1349*, R1345*.
Identifiers: ClinVar variation 585570 (VCV000585570.46), dbSNP rs1568473233, ClinGen allele CA404340018.

ClinVar aggregate classification (germline): Pathogenic. Review status: criteria provided, multiple submitters, no conflicts (2 of 4 stars). 7 submissions from 7 submitters: Pathogenic (7). Last evaluated 2026-06-19.

Conditions:
Developmental and epileptic encephalopathy, 42 (DEE42A). Also called: DEVELOPMENTAL AND EPILEPTIC ENCEPHALOPATHY 42A; Epileptic encephalopathy, early infantile, 42; EPILEPTIC ENCEPHALOPATHY, EARLY INFANTILE, 42A. Identifiers: MedGen C4310716, MONDO:0014917, OMIM 617106.
Episodic ataxia type 2 (EA2). Also called: ATAXIA, EPISODIC, WITH NYSTAGMUS; ATAXIA, FAMILIAL PAROXYSMAL; CEREBELLAR ATAXIA, PAROXYSMAL, ACETAZOLAMIDE-RESPONSIVE; CEREBELLOPATHY, HEREDITARY PAROXYSMAL; EPISODIC ATAXIA, NYSTAGMUS-ASSOCIATED; ACETAZOLAMIDE-RESPONSIVE HEREDITARY PAROXYSMAL CEREBELLAR ATAXIA. Identifiers: Orphanet 97, MedGen C1720416, MONDO:0007163, OMIM 108500.

Submissions (7):

Institute of Medical Genetics and Applied Genomics, University Hospital Tübingen
Classification: Pathogenic for Developmental and epileptic encephalopathy, 42. Last evaluated: 2026-06-19. Review status: criteria provided, single submitter. Criteria: ACMG Guidelines, 2015. Collection method: clinical testing. Allele origin: germline. Inheritance: Autosomal dominant inheritance. Affected: yes.

Labcorp Genetics (formerly Invitae), Labcorp
Classification: Pathogenic for Developmental and epileptic encephalopathy, 42; Episodic ataxia type 2. Last evaluated: 2024-11-11. Review status: criteria provided, single submitter. Criteria: Invitae Variant Classification Sherloc (09022015). Collection method: clinical testing. Allele origin: germline.
Comment: This sequence change creates a premature translational stop signal (p.Arg1346*) in the CACNA1A gene. It is expected to result in an absent or disrupted protein product. Loss-of-function variants in CACNA1A are known to be pathogenic (PMID: 10371528, 19486177, 25735478, 27250579). This variant is not present in population databases (gnomAD no frequency). This premature translational stop signal has been observed in individual(s) with episodic ataxia type 2 (PMID: 23038654, 23071170). In at least one individual the variant was observed to be de novo. ClinVar contains an entry for this variant (Variation ID: 585570). For these reasons, this variant has been classified as Pathogenic.

Athena Diagnostics
Classification: Pathogenic. Last evaluated: 2023-11-14. Review status: criteria provided, single submitter. Criteria: Athena Diagnostics Criteria. Collection method: clinical testing. Allele origin: unknown.
Comment: This variant is expected to result in the loss of a functional protein. This variant has been confirmed to occur de novo in at least one individual with episodic ataxia and has also been reported in individuals with childhood epilepsy and with paroxysmal tonic upward gaze. This variant has not been reported in large, multi-ethnic general populations. In some published literature, this variant is referred to as R1349X.

Centre of Medical Genetics, University Hospital Muenster
Classification: Pathogenic. Last evaluated: 2022-11-08. Review status: criteria provided, single submitter. Criteria: ACMG Guidelines, 2015. Collection method: clinical testing. Allele origin: unknown. Affected: yes. Observed: 1 variant allele, 1 heterozygote.
Comment: ACMG categories: PVS1,PM2,PP3,PP5

GeneDx
Classification: Pathogenic. Last evaluated: 2022-10-18. Review status: criteria provided, single submitter. Criteria: GeneDx Variant Classification Process June 2021. Collection method: clinical testing. Allele origin: germline. Affected: yes.
Comment: Nonsense variant predicted to result in protein truncation or nonsense mediated decay in a gene for which loss-of-function is a known mechanism of disease; Not observed at significant frequency in large population cohorts (gnomAD); This variant is associated with the following publications: (PMID: 23071170, 34631621, 23038654)

CeGaT Center for Human Genetics Tuebingen
Classification: Pathogenic. Last evaluated: 2022-06-01. Review status: criteria provided, single submitter. Criteria: CeGaT Center For Human Genetics Tuebingen Variant Classification Criteria Version 2. Collection method: clinical testing. Allele origin: germline. Affected: yes. Observed: 1 variant allele.
Comment: CACNA1A: PVS1, PM2

MGZ Medical Genetics Center
Classification: Pathogenic for Episodic ataxia type 2. Last evaluated: 2021-09-21. Review status: criteria provided, single submitter. Criteria: ACMG Guidelines, 2015. Collection method: clinical testing. Allele origin: germline. Affected: yes. Observed: 1 variant allele.
Comment: ACMG criteria applied: PVS1, PS2, PS4_SUP, PM2_SUP

Literature cited by the submitters: PubMed 10371528 (cited by Labcorp Genetics (formerly Invitae), Labcorp); PubMed 19486177 (cited by Labcorp Genetics (formerly Invitae), Labcorp); PubMed 25735478 (cited by Labcorp Genetics (formerly Invitae), Labcorp); PubMed 27250579 (cited by Labcorp Genetics (formerly Invitae), Labcorp); PubMed 23038654 (cited by 3 submitters); PubMed 23071170 (cited by Labcorp Genetics (formerly Invitae), Labcorp and Athena Diagnostics); PubMed 34631621 (cited by Athena Diagnostics and Centre of Medical Genetics, University Hospital Muenster); PubMed 36530930 (cited by Athena Diagnostics); PubMed 31440721 (cited by Athena Diagnostics); PubMed 22952635 (cited by Athena Diagnostics).